The following is an entry in ClinVar:

NM_001330691.3(CEP78):c.1132G>A (p.Ala378Thr)

Gene: CEP78 (centrosomal protein 78; plus strand). Cytogenetic location: 9q21.2.
Variant type: single nucleotide variant.
Coding change: c.1132G>A on transcript NM_001330691.3 (MANE Select); coding-DNA position 1132, G replaced by A.
Protein change: p.Ala378Thr; replaces alanine 378 with threonine.
Molecular consequence: missense variant.
Genome position (GRCh38, 1-based): chr9:78,251,970, G>A. VCF-style: chr9-78251970-G-A. GRCh37 (hg19) VCF-style: chr9-80866886-G-A.
Other names: c.1135G>A, p.Ala379Thr (NM_001098802.3, NM_001349839.2, NM_001349840.2 and 1 more transcripts); c.1132G>A, p.Ala378Thr (NM_001330693.3, NM_001330694.2, NM_001349838.2); short protein forms A379T, A378T.
Identifiers: ClinVar variation 4771718 (VCV004771718.1).

ClinVar aggregate classification (germline): Uncertain significance (1 of 4 stars; one submission).

gnomAD v4.1: 3 of 1,608,582 alleles (0.00019%); highest among the groups gnomAD compares: Admixed American, 0.005%; no homozygotes.

Submission:

Labcorp Genetics (formerly Invitae), Labcorp
Classification: Uncertain significance. Last evaluated: 2025-03-16. Review status: criteria provided, single submitter. Criteria: Invitae Variant Classification Sherloc (09022015). Collection method: clinical testing. Allele origin: germline.
Comment: This sequence change replaces alanine, which is neutral and non-polar, with threonine, which is neutral and polar, at codon 379 of the CEP78 protein (p.Ala379Thr). This variant is present in population databases (rs780309395, gnomAD 0.009%). This variant has not been reported in the literature in individuals affected with CEP78-related conditions. Invitae Evidence Modeling of protein sequence and biophysical properties (such as structural, functional, and spatial information, amino acid conservation, physicochemical variation, residue mobility, and thermodynamic stability) indicates that this missense variant is not expected to disrupt CEP78 protein function with a negative predictive value of 80%. In summary, the available evidence is currently insufficient to determine the role of this variant in disease. Therefore, it has been classified as a Variant of Uncertain Significance.